The following is an entry in ClinVar:

ClinVar aggregate classification (germline): Likely pathogenic (1 of 4 stars; one submission).

Conditions:
Neuromuscular disease caused by qualitative or quantitative defects of dystrophin. Also called: Qualitative or quantitative defects of dystrophin. Identifiers: Orphanet 207085, MedGen C5679787, MONDO:0016147.

Submission:

Women's Health and Genetics/Laboratory Corporation of America, LabCorp
Classification: Likely pathogenic for Neuromuscular disease caused by qualitative or quantitative defects of dystrophin. Last evaluated: 2022-10-13. Review status: criteria provided, single submitter. Criteria: LabCorp Variant Classification Summary - May 2015. Collection method: clinical testing. Allele origin: germline.
Comment: Variant summary: The variant identified by MLPA or other technology involves the duplication of exons 35-55 in the DMD gene. A presumed nomenclature of c.(4845+1_4846-1)_(8217+1_8218-1)dup has been designated for the purposes of this classification. It has been assumed that this is a tandem duplication in direct orientation (Richardson_GIM_2018, Newman_AJHG_2015). Although exact breakpoints of this duplication are not known, it is expected to result in a large in-frame duplication change in the DMD gene. The variant was absent in 16120 control chromosomes (gnomAD, Structural Variants dataset). The available data on variant occurrences in the general population are insufficient to allow any conclusion about variant significance. Duplication of exons 35-55 has been reported in the UMD-DMD database and also, via internal testing in individuals affected with Dystrophinopathies (Tuffery-Giraud_2009, LabCorp). No clinical diagnostic laboratories have submitted clinical-significance assessments for this variant to ClinVar after 2014. Other large in-frame duplications within this DMD region (e.g. duplication of exons 45-51, exons 50-55, exons 45-55) have been reported in multiple individuals affected with Dystrophinopathies (e.g. PMIDs: 15643612, 31705731, 12111668, 26911353, 16917894, 33644936) and have been classified as pathogenic by our laboratory and/or cited as pathogenic by other submitters in ClinVar (e.g. Variation IDs: 1415572, 832974). Based on the evidence outlined above, the variant was classified as likely pathogenic.

Literature cited by the submitters: PubMed 19367636.

NC_000023.10:g.(31525571_31645789)_(32383317_32398626)dup

Gene: DMD (dystrophin; minus strand). Cytogenetic location: Xp21.1.
Variant type: Duplication.
Identifiers: ClinVar variation 1723311 (VCV001723311.1).